The following is an entry in ClinVar:

ClinVar aggregate classification (germline): Benign/Likely benign. Review status: criteria provided, multiple submitters, no conflicts (2 of 4 stars). 4 submissions from 4 submitters: Benign (1); Likely benign (3). Last evaluated 2026-07-02.

Conditions:
RMND1-related disorder. Also called: RMND1-related condition.

Allele frequency attached by ClinVar (database versions not stated): TOPMed 0.00012; ESP Exome Variant Server 0.00015; 1000 Genomes Project 30x 0.00016; 1000 Genomes Project 0.00020; gnomAD 0.00055 and 0.00056; gnomAD exomes 0.00076; ExAC 0.00092.
gnomAD v4.1: 697 of 1,612,596 alleles (0.043%); highest among the groups gnomAD compares: Non-Finnish European, 0.026%; 3 homozygotes.

Submissions (4):

PreventionGenetics, part of Exact Sciences
Classification: Likely benign for RMND1-related condition. Last evaluated: 2026-07-02. Review status: criteria provided, single submitter. Criteria: ACMG Guidelines, 2015. Collection method: clinical testing. Allele origin: germline.
Comment: This variant is classified as likely benign based on ACMG/AMP sequence variant interpretation guidelines (Richards et al. 2015 PMID: 25741868, with internal and published modifications).

Labcorp Genetics (formerly Invitae), Labcorp
Classification: Benign. Last evaluated: 2026-01-05. Review status: criteria provided, single submitter. Criteria: Invitae Variant Classification Sherloc (09022015). Collection method: clinical testing. Allele origin: germline.

Blueprint Genetics
Classification: Likely benign. Last evaluated: 2024-10-08. Review status: criteria provided, single submitter. Criteria: ACMG Guidelines, 2015. Collection method: clinical testing. Allele origin: germline.

GeneDx
Classification: Likely benign. Last evaluated: 2020-04-09. Review status: criteria provided, single submitter. Criteria: GeneDx Variant Classification Process June 2021. Collection method: clinical testing. Allele origin: germline. Affected: yes.

NM_017909.4(RMND1):c.1321A>C (p.Met441Leu)

Gene: RMND1 (required for meiotic nuclear division 1 homolog; minus strand). Cytogenetic location: 6q25.1.
Variant type: single nucleotide variant.
Coding change: c.1321A>C on transcript NM_017909.4 (MANE Select); coding-DNA position 1321, A replaced by C.
Protein change: p.Met441Leu; replaces methionine 441 with leucine.
Molecular consequence: missense variant.
Genome position (GRCh38, 1-based): chr6:151,405,264, T>G on the plus strand (A>C on the coding strand, the complement: RMND1 is on the minus strand). VCF-style: chr6-151405264-T-G. GRCh37 (hg19) VCF-style: chr6-151726399-T-G.
Other names: c.811A>C, p.Met271Leu (NM_001271937.2); c.1321A>C (NM_017909.3); short protein forms M271L, M441L.
Identifiers: ClinVar variation 1215831 (VCV001215831.13), dbSNP rs141875676, ClinGen allele CA4050701.
Genomic context (GRCh38, chr6:151,405,264, plus strand): 5'-CTCTTGCAGTGACACTTTGGTTATCACTTGATCAGAAAAATACTCGTCCCAGCTCAAACA[T>G]TACCTTAGAATAGAAAGTGAGAATTATTTCATGACGGGCAAATTATGGGTACAAACTAAA-3'
Protein context (NP_060379.2, residues 431-449): MIVILITIEV[Met441Leu]FELGRVFF